The following is an entry in ClinVar:

NM_006904.7(PRKDC):c.122A>G (p.Glu41Gly)

Genes: PRKDC (protein kinase, DNA-activated, catalytic subunit; minus strand), LOC129929030 (ATAC-STARR-seq lymphoblastoid silent region 19177; plus strand). Cytogenetic location: 8q11.21.
Variant type: single nucleotide variant.
Coding change: c.122A>G on transcript NM_006904.7 (MANE Select); coding-DNA position 122, A replaced by G.
Protein change: p.Glu41Gly; replaces glutamic acid 41 with glycine.
Molecular consequence: missense variant.
Genome position (GRCh38, 1-based): chr8:47,960,005, T>C on the plus strand (A>G on the coding strand, the complement: PRKDC is on the minus strand). VCF-style: chr8-47960005-T-C. GRCh37 (hg19) VCF-style: chr8-48872565-T-C.
Other names: c.122A>G, p.Glu41Gly (NM_001081640.2); short protein forms E41G.
Identifiers: ClinVar variation 1755086 (VCV001755086.8), dbSNP rs1352246672, ClinGen allele CA371142702.

ClinVar aggregate classification (germline): Uncertain significance. Review status: criteria provided, multiple submitters, no conflicts (2 of 4 stars). 2 submissions from 2 submitters: Uncertain significance (2). Last evaluated 2025-11-19.

Conditions:
Severe combined immunodeficiency due to DNA-PKcs deficiency. Also called: IMMUNODEFICIENCY 26 WITH NEUROLOGIC ABNORMALITIES; Immunodeficiency 26 with or without neurologic abnormalities. Identifiers: Orphanet 317425, MedGen C4014833, MONDO:0014423, OMIM 615966.

Allele frequency attached by ClinVar (database versions not stated): TOPMed below 0.00001; gnomAD 0.00001.
gnomAD v4.1: 1 of 1,534,564 alleles (0.000065%); highest among the groups gnomAD compares: African/African-American, 0.0014%; no homozygotes.

Submissions (2):

Ambry Genetics
Classification: Uncertain significance. Last evaluated: 2025-11-19. Review status: criteria provided, single submitter. Criteria: Ambry Variant Classification Scheme 2023. Collection method: clinical testing. Allele origin: germline.

Labcorp Genetics (formerly Invitae), Labcorp
Classification: Uncertain significance for Severe combined immunodeficiency due to DNA-PKcs deficiency. Last evaluated: 2022-02-18. Review status: criteria provided, single submitter. Criteria: Invitae Variant Classification Sherloc (09022015). Collection method: clinical testing. Allele origin: germline.
Comment: In summary, the available evidence is currently insufficient to determine the role of this variant in disease. Therefore, it has been classified as a Variant of Uncertain Significance. Experimental studies and prediction algorithms are not available or were not evaluated, and the functional significance of this variant is currently unknown. This variant has not been reported in the literature in individuals affected with PRKDC-related conditions. This variant is present in population databases (no rsID available, gnomAD 0.01%). This sequence change replaces glutamic acid, which is acidic and polar, with glycine, which is neutral and non-polar, at codon 41 of the PRKDC protein (p.Glu41Gly).